The following is an entry in ClinVar:

ClinVar aggregate classification (germline): Likely pathogenic. Review status: criteria provided, multiple submitters, no conflicts (2 of 4 stars). 3 submissions from 3 submitters: Likely pathogenic (2). 1 of the submissions does not count toward it. Last evaluated 2023-07-24.

Conditions:
Fanconi anemia (FA). Also called: Fanconi's anemia. Identifiers: Orphanet 84, MedGen C0015625, MeSH D005199, MONDO:0019391.
Fanconi anemia complementation group A (FANCA). Also called: FANCA-Related Fanconi Anemia; Fanconi anemia, group A. Identifiers: Orphanet 84, MedGen C3469521, MONDO:0009215, OMIM 227650.

Submissions (3):

Women's Health and Genetics/Laboratory Corporation of America, LabCorp
Classification: Likely pathogenic for Fanconi anemia. Last evaluated: 2023-07-24. Review status: criteria provided, single submitter. Criteria: LabCorp Variant Classification Summary - May 2015. Collection method: clinical testing. Allele origin: germline.
Comment: Variant summary: FANCA c.3581C>T (p.Pro1194Leu) results in a non-conservative amino acid change in the encoded protein sequence. Five of five in-silico tools predict a damaging effect of the variant on protein function. The variant was absent in 247414 control chromosomes (gnomAD). c.3581C>T has been reported in the literature in individuals affected with Fanconi Anemia (Yagasaki_2004, Nie_2020), and one was reported as compound heterozygous with a truncating variant. These data indicate that the variant may be associated with disease. At least one publication reports experimental evidence evaluating an impact on protein function, finding that the variant protein failed to correct MMC sensitivity in FANCA-deficient fibroblasts (Yagasaki_2004). The following publications have been ascertained in the context of this evaluation (PMID: 15523645, 32487094). Two submitters have cited clinical-significance assessments for this variant to ClinVar after 2014, and classified the variant as pathogenic/likely pathogenic. Based on the evidence outlined above, the variant was classified as likely pathogenic.

Labcorp Genetics (formerly Invitae), Labcorp
Classification: Likely pathogenic for Fanconi anemia. Last evaluated: 2022-08-16. Review status: criteria provided, single submitter. Criteria: Invitae Variant Classification Sherloc (09022015). Collection method: clinical testing. Allele origin: germline.
Comment: This sequence change replaces proline, which is neutral and non-polar, with leucine, which is neutral and non-polar, at codon 1194 of the FANCA protein (p.Pro1194Leu). In summary, the currently available evidence indicates that the variant is pathogenic, but additional data are needed to prove that conclusively. Therefore, this variant has been classified as Likely Pathogenic. Experimental studies have shown that this missense change affects FANCA function (PMID: 15523645). Advanced modeling of protein sequence and biophysical properties (such as structural, functional, and spatial information, amino acid conservation, physicochemical variation, residue mobility, and thermodynamic stability) performed at Invitae indicates that this missense variant is expected to disrupt FANCA protein function. ClinVar contains an entry for this variant (Variation ID: 526352). This missense change has been observed in individual(s) with Fanconi anemia (PMID: 15523645, 32487094). In at least one individual the data is consistent with being in trans (on the opposite chromosome) from a pathogenic variant. This variant is not present in population databases (gnomAD no frequency).

Leiden Open Variation Database
Classification: Pathogenic for Fanconi anemia complementation group A. Last evaluated: 2020-02-28. Review status: no assertion criteria provided. Collection method: curation. Allele origin: germline. Affected: yes. Not counted in ClinVar's aggregate classification.
Comment: Curator: Arleen D. Auerbach. Submitter to LOVD: Arleen D. Auerbach.

Literature cited by the submitters: PubMed 15523645 (cited by 3 submitters); PubMed 32487094 (cited by Women's Health and Genetics/Laboratory Corporation of America, LabCorp and Labcorp Genetics (formerly Invitae), Labcorp).

NM_000135.4(FANCA):c.3581C>T (p.Pro1194Leu)

Gene: FANCA (FA complementation group A; minus strand). Cytogenetic location: 16q24.3.
Variant type: single nucleotide variant.
Coding change: c.3581C>T on transcript NM_000135.4 (MANE Select); coding-DNA position 3581, C replaced by T.
Protein change: p.Pro1194Leu; replaces proline 1194 with leucine.
Molecular consequence: missense variant.
Genome position (GRCh38, 1-based): chr16:89,745,004, G>A on the plus strand (C>T on the coding strand, the complement: FANCA is on the minus strand). VCF-style: chr16-89745004-G-A. GRCh37 (hg19) VCF-style: chr16-89811412-G-A.
Other names: c.3581C>T (LRG_495t1); c.3581C>T, p.Pro1194Leu (NM_001286167.3); short protein forms P1194L.
Identifiers: ClinVar variation 526352 (VCV000526352.11), dbSNP rs1555536390, ClinGen allele CA397485658.